The following is an entry in ClinVar:

ClinVar aggregate classification (germline): Pathogenic. Review status: criteria provided, multiple submitters, no conflicts (2 of 4 stars). 6 submissions from 6 submitters: Pathogenic (4). 2 of the submissions do not count toward it. Last evaluated 2025-09-13.

Conditions:
CFTR-related disorder (CFTR-RD). Also called: CFTR-related condition; CFTR-related disorders. Identifiers: MedGen C5924204, MONDO:7770004.
Cystic fibrosis (CF). Also called: MUCOVISCIDOSIS. Identifiers: Orphanet 586, MedGen C0010674, MONDO:0009061, OMIM 219700. Disease mechanism: loss of function.
Bronchiectasis with or without elevated sweat chloride 1 (BESC1). Also called: Cystic Fibrosis-Like Syndrome. Identifiers: Orphanet 60033, MedGen C2749757, MONDO:0008887, OMIM 211400.
Congenital bilateral aplasia of vas deferens from CFTR mutation (CBAVD). Identifiers: Orphanet 48, MedGen C0403814, MONDO:0010178, OMIM 277180. Disease mechanism: loss of function.
Hereditary pancreatitis (PCTT). Also called: PRSS1-Related Hereditary Pancreatitis; Hereditary chronic pancreatitis. Identifiers: Orphanet 676, MedGen C0238339, MONDO:0008185, OMIM 167800.

Submissions (6):

Natera, Inc.
Classification: Pathogenic for CFTR-related disorders. Last evaluated: 2025-09-13. Review status: criteria provided, single submitter. Criteria: Natera Variant Classification Schema (03/2026). Collection method: clinical testing. Allele origin: germline.
Comment: The c.3617C>G variant in CFTR is a nonsense variant predicted to introduce a stop codon at amino acid 1206. This variant is expected to result in nonsense mediated decay, truncation, or a dysfunctional protein product. This variant is rare in the general population with a frequency below the threshold expected for the associated phenotype(s). Another variant at this same site results in an alteration predicted to cause a similar molecular effect has been observed in individual(s) with the associated phenotype. Given the available evidence, this variant is classified as Pathogenic.

Fulgent Genetics
Classification: Pathogenic for Hereditary pancreatitis; Bronchiectasis with or without elevated sweat chloride 1; Cystic fibrosis; Congenital bilateral aplasia of vas deferens from CFTR mutation. Last evaluated: 2024-03-19. Review status: criteria provided, single submitter. Criteria: ACMG Guidelines, 2015. Collection method: clinical testing. Allele origin: germline.

Labcorp Genetics (formerly Invitae), Labcorp
Classification: Pathogenic for Cystic fibrosis. Last evaluated: 2022-05-13. Review status: criteria provided, single submitter. Criteria: Invitae Variant Classification Sherloc (09022015). Collection method: clinical testing. Allele origin: germline.
Comment: This sequence change creates a premature translational stop signal (p.Ser1206*) in the CFTR gene. It is expected to result in an absent or disrupted protein product. Loss-of-function variants in CFTR are known to be pathogenic (PMID: 1695717, 7691345, 9725922). This variant is not present in population databases (gnomAD no frequency). This premature translational stop signal has been observed in individual(s) with cystic fibrosis (PMID: 25910067, 27086061). ClinVar contains an entry for this variant (Variation ID: 53781). For these reasons, this variant has been classified as Pathogenic.

CFTR-France
Classification: Pathogenic for cystic fibrosis; CFTR-related disorders. Last evaluated: 2018-01-29. Review status: criteria provided, single submitter. Criteria: Claustres M et al. (Hum Mutat 2017). Collection method: curation. Allele origin: germline. Affected: yes.
Comment: the variant causes a phenotype but regarding our data, we can't formally attribute it to CF, CFTR-RD or both

Counsyl
Classification: Likely pathogenic for Cystic fibrosis. Last evaluated: 2017-05-02. Review status: no assertion criteria provided. Collection method: clinical testing. Allele origin: unknown. Not counted in ClinVar's aggregate classification.

ClinVar Staff, National Center for Biotechnology Information (NCBI)
No classification provided. Condition: CFTR-related disorders. Review status: no classification provided. Collection method: literature only. Allele origin: germline. Affected: yes. Not counted in ClinVar's aggregate classification.

Literature cited by the submitters: PubMed 1695717 (cited by Labcorp Genetics (formerly Invitae), Labcorp); PubMed 7691345 (cited by Labcorp Genetics (formerly Invitae), Labcorp); PubMed 9725922 (cited by Labcorp Genetics (formerly Invitae), Labcorp); PubMed 25910067 (cited by Labcorp Genetics (formerly Invitae), Labcorp); PubMed 27086061 (cited by Labcorp Genetics (formerly Invitae), Labcorp and Counsyl); PubMed 11379874 (cited by Counsyl and ClinVar Staff, National Center for Biotechnology Information (NCBI)).

NM_000492.4(CFTR):c.3617C>G (p.Ser1206Ter)

Genes: CFTR (CF transmembrane conductance regulator; plus strand), CFTR-AS2 (CFTR antisense RNA 2; minus strand). Cytogenetic location: 7q31.2.
Variant type: single nucleotide variant.
Coding change: c.3617C>G on transcript NM_000492.4 (MANE Select); coding-DNA position 3617, C replaced by G.
Protein change: p.Ser1206Ter; replaces serine 1206 with a stop codon.
Molecular consequence: nonsense.
Genome position (GRCh38, 1-based): chr7:117,627,670, C>G. VCF-style: chr7-117627670-C-G. GRCh37 (hg19) VCF-style: chr7-117267724-C-G.
Other names: short protein forms S1206*.
Identifiers: ClinVar variation 53781 (VCV000053781.9), dbSNP rs397508588, ClinGen allele CA327242.
Genomic context (GRCh38, chr7:117,627,670, plus strand): 5'-AACTCTCGAAAGTTATGATTATTGAGAATTCACACGTGAAGAAAGATGACATCTGGCCCT[C>G]AGGGGGCCAAATGACTGTCAAAGATCTCACAGCAAAATACACAGAAGGTGGAAATGCCAT-3'